The following is an entry in ClinVar:

ClinVar aggregate classification (germline): Uncertain significance. Review status: criteria provided, multiple submitters, no conflicts (2 of 4 stars). 2 submissions from 2 submitters: Uncertain significance (2). Last evaluated 2024-09-02.

Conditions:
Inborn genetic diseases. Identifiers: MedGen C0950123, MeSH D030342.

Submissions (2):

Ambry Genetics
Classification: Uncertain significance for Inborn genetic diseases. Last evaluated: 2024-09-02. Review status: criteria provided, single submitter. Criteria: Ambry Variant Classification Scheme 2023. Collection method: clinical testing. Allele origin: germline.

Labcorp Genetics (formerly Invitae), Labcorp
Classification: Uncertain significance. Last evaluated: 2024-03-03. Review status: criteria provided, single submitter. Criteria: Invitae Variant Classification Sherloc (09022015). Collection method: clinical testing. Allele origin: germline.
Comment: This sequence change replaces isoleucine, which is neutral and non-polar, with threonine, which is neutral and polar, at codon 764 of the GANAB protein (p.Ile764Thr). This variant is present in population databases (rs768726456, gnomAD 0.003%). This variant has not been reported in the literature in individuals affected with GANAB-related conditions. Advanced modeling of protein sequence and biophysical properties (such as structural, functional, and spatial information, amino acid conservation, physicochemical variation, residue mobility, and thermodynamic stability) performed at Invitae indicates that this missense variant is not expected to disrupt GANAB protein function with a negative predictive value of 80%. In summary, the available evidence is currently insufficient to determine the role of this variant in disease. Therefore, it has been classified as a Variant of Uncertain Significance.

NM_198334.3(GANAB):c.2225T>C (p.Ile742Thr)

Gene: GANAB (glucosidase II alpha subunit; minus strand). Cytogenetic location: 11q12.3.
Variant type: single nucleotide variant.
Coding change: c.2225T>C on transcript NM_198334.3 (MANE Select); coding-DNA position 2225, T replaced by C.
Protein change: p.Ile742Thr; replaces isoleucine 742 with threonine.
Molecular consequence: missense variant.
Genome position (GRCh38, 1-based): chr11:62,627,309, A>G on the plus strand (T>C on the coding strand, the complement: GANAB is on the minus strand). VCF-style: chr11-62627309-A-G. GRCh37 (hg19) VCF-style: chr11-62394781-A-G.
Other names: c.1934T>C, p.Ile645Thr (NM_001329222.2, NM_001329223.2, NM_001278194.2); c.1502T>C, p.Ile501Thr (NM_001329224.2, NM_001329225.2); c.2291T>C, p.Ile764Thr (NM_198335.4); c.1949T>C, p.Ile650Thr (NM_001278192.2); c.1883T>C, p.Ile628Thr (NM_001278193.2); short protein forms I650T, I742T, I764T, I645T, I501T, I628T.
Identifiers: ClinVar variation 3518696 (VCV003518696.3).